The following is an entry in ClinVar:

ClinVar aggregate classification (germline): Uncertain significance. Review status: criteria provided, multiple submitters, no conflicts (2 of 4 stars). 2 submissions from 2 submitters: Uncertain significance (2). Last evaluated 2025-07-07.

Conditions:
Malignant hyperthermia, susceptibility to, 1 (MHS1). Also called: RYR1-Related Malignant Hyperthermia Susceptibility; Malignant hyperthermia suceptibility 1; Anesthesia related hyperthermia; Malignant hyperpyrexia; Fulminating hyperpyrexia; Pharmacogenic myopathy. Identifiers: Orphanet 423, MedGen C2930980, MONDO:0007783, OMIM 145600.

Allele frequency attached by ClinVar (database versions not stated): gnomAD exomes below 0.00001; TOPMed below 0.00001.
gnomAD v4.1: 4 of 1,525,096 alleles (0.00026%); highest among the groups gnomAD compares: Non-Finnish European, 0.00027%; no homozygotes.

Submissions (2):

Color Diagnostics, LLC DBA Color Health
Classification: Uncertain significance for Malignant hyperthermia, susceptibility to, 1. Last evaluated: 2025-07-07. Review status: criteria provided, single submitter. Criteria: ACMG Guidelines, 2015. Collection method: clinical testing. Allele origin: germline.
Comment: This missense variant replaces arginine with glutamine at codon 3885 of the RYR1 protein. Computational prediction suggests that this variant may have deleterious impact on protein structure and function. To our knowledge, functional studies have not been reported for this variant. This variant has not been reported in individuals affected with RYR1-related disorders in the literature. This variant has not been identified in the general population by the Genome Aggregation Database (gnomAD). The available evidence is insufficient to determine the role of this variant in disease conclusively. Therefore, this variant is classified as a Variant of Uncertain Significance.

GeneDx
Classification: Uncertain significance. Last evaluated: 2022-05-02. Review status: criteria provided, single submitter. Criteria: GeneDx Variant Classification Process June 2021. Collection method: clinical testing. Allele origin: germline. Affected: yes.
Comment: Not observed at significant frequency in large population cohorts (gnomAD); In silico analysis supports that this missense variant has a deleterious effect on protein structure/function; Has not been previously published as pathogenic or benign to our knowledge

NM_000540.3(RYR1):c.11654G>A (p.Arg3885Gln)

Gene: RYR1 (ryanodine receptor 1; plus strand). Cytogenetic location: 19q13.2.
Variant type: single nucleotide variant.
Coding change: c.11654G>A on transcript NM_000540.3 (MANE Select); coding-DNA position 11654, G replaced by A.
Protein change: p.Arg3885Gln; replaces arginine 3885 with glutamine.
Molecular consequence: missense variant.
Genome position (GRCh38, 1-based): chr19:38,537,925, G>A. VCF-style: chr19-38537925-G-A. GRCh37 (hg19) VCF-style: chr19-39028565-G-A.
Other names: c.11639G>A, p.Arg3880Gln (NM_001042723.2); short protein forms R3880Q, R3885Q.
Identifiers: ClinVar variation 1722968 (VCV001722968.3), dbSNP rs1972044353, ClinGen allele CA405658296.